The following is an entry in ClinVar:

NM_001378687.1(ATP2C1):c.832G>C (p.Gly278Arg)

Gene: ATP2C1 (ATPase secretory pathway Ca2+ transporting 1; plus strand). Cytogenetic location: 3q22.1.
Variant type: single nucleotide variant.
Coding change: c.832G>C on transcript NM_001378687.1 (MANE Select); coding-DNA position 832, G replaced by C.
Protein change: p.Gly278Arg; replaces glycine 278 with arginine.
Molecular consequence: missense variant.
Genome position (GRCh38, 1-based): chr3:130,956,179, G>C. VCF-style: chr3-130956179-G-C. GRCh37 (hg19) VCF-style: chr3-130675023-G-C.
Other names: c.832G>C, p.Gly278Arg (NM_001001485.3, NM_001001486.2, NM_001001487.2 and 5 more transcripts); c.934G>C, p.Gly312Arg (NM_001199180.2, NM_001199181.3, NM_001378511.1); c.817G>C, p.Gly273Arg (NM_001199182.2); c.784G>C, p.Gly262Arg (NM_001199183.2, NM_001199184.3, NM_001378514.1); short protein forms G312R, G262R, G273R, G278R.
Identifiers: ClinVar variation 4725972 (VCV004725972.1).
Genomic context (GRCh38, chr3:130,956,179, plus strand): 5'-CTGCAGAAGAGCATGGACCTCTTAGGAAAACAACTTTCCTTTTACTCCTTTGGTATAATA[G>C]GTAAGAGAAGAGTGAGTATGTATATATTTTTATTTGAGTTTTGTTTTTTGAATGTGAAGG-3'
Protein context (NP_001365616.1, residues 268-288): QLSFYSFGII[Gly278Arg]IIMLVGWLLG

ClinVar aggregate classification (germline): Uncertain significance (1 of 4 stars; one submission).

Submission:

Labcorp Genetics (formerly Invitae), Labcorp
Classification: Uncertain significance. Last evaluated: 2025-08-24. Review status: criteria provided, single submitter. Criteria: Invitae Variant Classification Sherloc (09022015). Collection method: clinical testing. Allele origin: germline.
Comment: This sequence change replaces glycine, which is neutral and non-polar, with arginine, which is basic and polar, at codon 278 of the ATP2C1 protein (p.Gly278Arg). This variant also falls at the last nucleotide of exon 10, which is part of the consensus splice site for this exon. This variant is not present in population databases (gnomAD no frequency). This variant has not been reported in the literature in individuals affected with ATP2C1-related conditions. An algorithm developed to predict the effect of missense changes on protein structure and function (PolyPhen-2) suggests that this variant is likely to be disruptive. Variants that disrupt the consensus splice site are a relatively common cause of aberrant splicing (PMID: 17576681, 9536098). Algorithms developed to predict the effect of sequence changes on RNA splicing suggest that this variant may disrupt the consensus splice site. In summary, the available evidence is currently insufficient to determine the role of this variant in disease. Therefore, it has been classified as a Variant of Uncertain Significance.

Literature cited by the submitters: PubMed 17576681; PubMed 9536098.